The following is an entry in ClinVar:

ClinVar aggregate classification (germline): Uncertain significance (1 of 4 stars; one submission).

Allele frequency attached by ClinVar (database versions not stated): gnomAD exomes below 0.00001.
gnomAD v4.1: 1 of 1,611,454 alleles (0.000062%); highest among the groups gnomAD compares: Non-Finnish European, 0.000085%; no homozygotes.

Submission:

Labcorp Genetics (formerly Invitae), Labcorp
Classification: Uncertain significance. Last evaluated: 2025-02-19. Review status: criteria provided, single submitter. Criteria: Invitae Variant Classification Sherloc (09022015). Collection method: clinical testing. Allele origin: germline.
Comment: This sequence change replaces valine, which is neutral and non-polar, with methionine, which is neutral and non-polar, at codon 126 of the MOCS3 protein (p.Val126Met). This variant is not present in population databases (gnomAD no frequency). This variant has not been reported in the literature in individuals affected with MOCS3-related conditions. ClinVar contains an entry for this variant (Variation ID: 1520579). An algorithm developed to predict the effect of missense changes on protein structure and function (PolyPhen-2) suggests that this variant is likely to be disruptive. In summary, the available evidence is currently insufficient to determine the role of this variant in disease. Therefore, it has been classified as a Variant of Uncertain Significance.

NM_014484.5(MOCS3):c.376G>A (p.Val126Met)

Gene: MOCS3 (molybdenum cofactor synthesis 3; plus strand). Cytogenetic location: 20q13.13.
Variant type: single nucleotide variant.
Coding change: c.376G>A on transcript NM_014484.5 (MANE Select); coding-DNA position 376, G replaced by A.
Protein change: p.Val126Met; replaces valine 126 with methionine.
Molecular consequence: missense variant.
Genome position (GRCh38, 1-based): chr20:50,959,218, G>A. VCF-style: chr20-50959218-G-A. GRCh37 (hg19) VCF-style: chr20-49575755-G-A.
Other names: short protein forms V126M.
Identifiers: ClinVar variation 1520579 (VCV001520579.6), dbSNP rs2123158901, ClinGen allele CA408982897.
Genomic context (GRCh38, chr20:50,959,218, plus strand): 5'-GTGGGCCGCCTTGGCCTTGTGGACTATGACGTGGTAGAGATGAGCAACCTGGCCCGCCAA[G>A]TGCTGCATGGCGAGGCACTGGCTGGCCAGGCCAAGGCCTTTTCGGCCGCCGCCTCGCTGC-3'
Protein context (NP_055299.1, residues 116-136): VVEMSNLARQ[Val126Met]LHGEALAGQA